The following is an entry in ClinVar:

ClinVar aggregate classification (germline): Uncertain significance (1 of 4 stars; one submission).

Conditions:
Hereditary cancer-predisposing syndrome. Also called: Neoplastic Syndromes, Hereditary; Hereditary Cancer Syndrome; Tumor predisposition; Hereditary neoplastic syndrome. Identifiers: Orphanet 140162, MedGen C0027672, MeSH D009386, MONDO:0015356.

Submission:

Ambry Genetics
Classification: Uncertain significance for Hereditary cancer-predisposing syndrome. Last evaluated: 2023-03-08. Review status: criteria provided, single submitter. Criteria: Ambry Variant Classification Scheme 2023. Collection method: clinical testing. Allele origin: germline.
Comment: The p.F177V variant (also known as c.529T>G), located in coding exon 3 of the TMEM127 gene, results from a T to G substitution at nucleotide position 529. The phenylalanine at codon 177 is replaced by valine, an amino acid with highly similar properties. This amino acid position is conserved. In addition, this alteration is predicted to be deleterious by in silico analysis. Since supporting evidence is limited at this time, the clinical significance of this alteration remains unclear.

NM_017849.4(TMEM127):c.529T>G (p.Phe177Val)

Gene: TMEM127 (transmembrane protein 127; minus strand). Cytogenetic location: 2q11.2.
Variant type: single nucleotide variant.
Coding change: c.529T>G on transcript NM_017849.4 (MANE Select); coding-DNA position 529, T replaced by G.
Protein change: p.Phe177Val; replaces phenylalanine 177 with valine.
Molecular consequence: missense variant.
Genome position (GRCh38, 1-based): chr2:96,253,996, A>C on the plus strand (T>G on the coding strand, the complement: TMEM127 is on the minus strand). VCF-style: chr2-96253996-A-C. GRCh37 (hg19) VCF-style: chr2-96919734-A-C.
Other names: c.529T>G, p.Phe177Val (NM_001193304.3); c.277T>G, p.Phe93Val (NM_001407282.1, NM_001407283.1); short protein forms F177V, F93V.
Identifiers: ClinVar variation 2448391 (VCV002448391.2), dbSNP rs2104284448, ClinGen allele CA347652523.